The following is an entry in ClinVar:

NM_182961.4(SYNE1):c.7494dup (p.Phe2499fs)

Gene: SYNE1 (spectrin repeat containing nuclear envelope protein 1; minus strand). Cytogenetic location: 6q25.2.
Variant type: Duplication.
Coding change: c.7494dup on transcript NM_182961.4 (MANE Select); coding-DNA position 7494, one base duplicated (A; older notation c.7494dupA).
Protein change: p.Phe2499fs; shifts the reading frame from phenylalanine 2499.
Molecular consequence: frameshift variant.
Genome position (GRCh38, 1-based): chr6:152,396,837, T duplicated on the plus strand (A on the coding strand, the reverse complement: SYNE1 is on the minus strand). VCF-style (leftmost placement, unchanged base first): chr6-152396836-A-AT. GRCh37 (hg19) VCF-style: chr6-152717971-A-AT.
Other names: c.7515dup, p.Phe2506fs (NM_033071.5); short protein forms F2506fs, F2499fs.
Identifiers: ClinVar variation 805580 (VCV000805580.1), dbSNP rs1194460500, ClinGen allele CA820910889.

ClinVar aggregate classification (germline): Likely pathogenic (1 of 4 stars; one submission).

Allele frequency attached by ClinVar (database versions not stated): TOPMed 0.00001.

Submission:

Athena Diagnostics
Classification: Likely pathogenic. Last evaluated: 2018-09-04. Review status: criteria provided, single submitter. Criteria: Athena Diagnostics Criteria. Collection method: clinical testing. Allele origin: germline.
Comment: The variant results in a shift of the reading frame, and is therefore predicted to significantly disrupt the protein structure. Not found in the total gnomAD dataset, and the data is high quality (0/277074 chr).